The following is an entry in ClinVar:

ClinVar aggregate classification (germline): Benign. Review status: criteria provided, multiple submitters, no conflicts (2 of 4 stars). 4 submissions from 3 submitters: Benign (4). Last evaluated 2021-09-05.

Conditions:
Autosomal recessive nonsyndromic hearing loss 23. Identifiers: Orphanet 90636, MedGen C1836027, MONDO:0012293, OMIM 609533.
Usher syndrome type 1F (USH1F). Also called: USHER SYNDROME, TYPE IF. Identifiers: Orphanet 231169, Orphanet 886, MedGen C1865885, MONDO:0011186, OMIM 602083.

Submissions (4):

Genome-Nilou Lab
Classification: Benign for Usher syndrome type 1F. Last evaluated: 2021-09-05. Review status: criteria provided, single submitter. Criteria: ACMG Guidelines, 2015. Collection method: clinical testing. Allele origin: germline. Affected: no.

Genome-Nilou Lab
Classification: Benign for Autosomal recessive nonsyndromic hearing loss 23. Last evaluated: 2021-09-05. Review status: criteria provided, single submitter. Criteria: ACMG Guidelines, 2015. Collection method: clinical testing. Allele origin: germline. Affected: no.

GeneDx
Classification: Benign. Last evaluated: 2019-08-08. Review status: criteria provided, single submitter. Criteria: GeneDx Variant Classification Process June 2021. Collection method: clinical testing. Allele origin: germline. Affected: yes.

Laboratory for Molecular Medicine, Mass General Brigham Personalized Medicine
Classification: Benign. Last evaluated: 2014-12-08. Review status: criteria provided, single submitter. Criteria: LMM Criteria. Collection method: clinical testing. Allele origin: germline. Observed: 5 variant alleles.
Comment: c.1917+13GT[10] in intron 15 of PCDH15: This variant is not expected to have cli nical significance because it is not located within the splice consensus sequenc e. It has been detected in 8.9% (4209/47276) of chromosomes across several diver se populations by the Exome Aggregate Consortium (/variant/10-55892600-TAC-T).

NM_001384140.1(PCDH15):c.1917+13GT[10]

Gene: PCDH15 (protocadherin related 15; minus strand). Cytogenetic location: 10q21.1.
Variant type: Microsatellite.
Coding change: c.1917+13GT[10] on transcript NM_001384140.1 (MANE Select); ten copies in a row of the 2-base unit GT starting at c.1917+13; the reference has 11 copies in a row; one copy, 2 bases deleted.
Molecular consequence: intron variant.
Genome position (GRCh38, 1-based): chr10:54,132,841-54,132,842, AC deleted on the plus strand (GT on the coding strand, the reverse complement: PCDH15 is on the minus strand); deleting any 2 consecutive bases within chr10:54,132,841-54,132,862 gives the same sequence; the position shown is the placement nearest the transcript's 3' end. VCF-style (leftmost placement, unchanged base first): chr10-54132840-TAC-T. GRCh37 (hg19) VCF-style: chr10-55892600-TAC-T.
Other names: c.1917+13GT[10] (NM_001354420.2, NM_001354429.2, NM_001142772.2 and 5 more transcripts); c.1932+13GT[10] (NM_001142771.2, NM_001142763.2); c.1938+13GT[10] (NM_001354411.2); c.1953+13GT[10] (NM_001142769.3); c.1851+13GT[10] (NM_001354404.2, NM_001142773.2, NM_001142768.2); c.1806+13GT[10] (NM_001142767.2); c.1784+20238GT[10] (NM_001142765.2).
Identifiers: ClinVar variation 227006 (VCV000227006.8), dbSNP rs5785040, ClinGen allele CA5506215.